The following is an entry in ClinVar:

ClinVar aggregate classification (germline): Uncertain significance (1 of 4 stars; one submission).

Conditions:
Primary dilated cardiomyopathy (DCM). Also called: Dilated Cardiomyopathy. Identifiers: Orphanet 217604, MedGen C0007193, MeSH D002311, MONDO:0005021, HP:0001644. Inheritance: Various modes of inheritance.

Submission:

Labcorp Genetics (formerly Invitae), Labcorp
Classification: Uncertain significance for Primary dilated cardiomyopathy. Last evaluated: 2024-10-24. Review status: criteria provided, single submitter. Criteria: Invitae Variant Classification Sherloc (09022015). Collection method: clinical testing. Allele origin: germline.
Comment: This sequence change replaces aspartic acid, which is acidic and polar, with tyrosine, which is neutral and polar, at codon 272 of the NEBL protein (p.Asp272Tyr). This variant is not present in population databases (gnomAD no frequency). This variant has not been reported in the literature in individuals affected with NEBL-related conditions. An algorithm developed to predict the effect of missense changes on protein structure and function (PolyPhen-2) suggests that this variant is likely to be disruptive. In summary, the available evidence is currently insufficient to determine the role of this variant in disease. Therefore, it has been classified as a Variant of Uncertain Significance.

NM_006393.3(NEBL):c.814G>T (p.Asp272Tyr)

Gene: NEBL (nebulette; minus strand). Cytogenetic location: 10p12.31.
Variant type: single nucleotide variant.
Coding change: c.814G>T on transcript NM_006393.3 (MANE Select); coding-DNA position 814, G replaced by T.
Protein change: p.Asp272Tyr; replaces aspartic acid 272 with tyrosine.
Molecular consequence: missense variant. On other transcripts: intron variant (9).
Genome position (GRCh38, 1-based): chr10:20,858,329, C>A on the plus strand (G>T on the coding strand, the complement: NEBL is on the minus strand). VCF-style: chr10-20858329-C-A. GRCh37 (hg19) VCF-style: chr10-21147258-C-A.
Other names: c.250-45389G>T (NM_001377326.1, NM_001377327.1, NM_001377328.1); c.358-45389G>T (NM_213569.2, NM_001173484.2, NM_001377322.1); c.301-45389G>T (NM_001377324.1); c.292-45389G>T (NM_001377325.1); c.310-45389G>T (NM_001377323.1); short protein forms D272Y.
Identifiers: ClinVar variation 3670805 (VCV003670805.2).